The following is an entry in ClinVar:

NM_000059.4(BRCA2):c.2680G>A (p.Val894Ile)

Gene: BRCA2 (BRCA2 DNA repair associated; plus strand). Cytogenetic location: 13q13.1.
Variant type: single nucleotide variant.
Coding change: c.2680G>A on transcript NM_000059.4 (MANE Select); coding-DNA position 2680, G replaced by A.
Protein change: p.Val894Ile; replaces valine 894 with isoleucine.
Molecular consequence: missense variant.
Genome position (GRCh38, 1-based): chr13:32,337,035, G>A. VCF-style: chr13-32337035-G-A. GRCh37 (hg19) VCF-style: chr13-32911172-G-A.
Other names: p.V894I:GTA>ATA; 2908G>A; short protein forms V894I.
Identifiers: ClinVar variation 51326 (VCV000051326.40), dbSNP rs28897715, ClinGen allele CA016044.

ClinVar aggregate classification (germline): Benign. Review status: reviewed by expert panel (3 of 4 stars). 22 submissions from 22 submitters: Benign (1). 21 of the submissions do not count toward it. Last evaluated 2015-08-10.

Conditions:
Hereditary cancer-predisposing syndrome. Also called: Neoplastic Syndromes, Hereditary; Tumor predisposition; Hereditary Cancer Syndrome; Hereditary neoplastic syndrome. Identifiers: Orphanet 140162, MedGen C0027672, MeSH D009386, MONDO:0015356.
Breast and/or ovarian cancer. Identifiers: MedGen CN221562.
Hereditary breast ovarian cancer syndrome. Also called: Breast and ovarian cancer; BRCA1- and BRCA2-Associated Hereditary Breast and Ovarian Cancer; Hereditary breast and ovarian cancer syndrome; Hereditary breast and/or ovarian cancer syndrome; Hereditary breast and ovarian cancer syndrome (HBOC); Hereditary breast and ovarian cancer. Identifiers: Orphanet 145, MedGen C0677776, MeSH D061325, MONDO:0003582. Disease mechanism: loss of function.
Breast-ovarian cancer, familial, susceptibility to, 2 (BROVCA2). Also called: BRCA2 Hereditary Breast and Ovarian Cancer. Identifiers: Orphanet 145, MedGen C2675520, MONDO:0012933, OMIM 612555. Disease mechanism: loss of function.
Malignant tumor of breast. Also called: Malignant breast neoplasm; Cancer breast. Identifiers: MedGen C0006142, MONDO:0007254. Disease mechanism: loss of function.

Allele frequency attached by ClinVar (database versions not stated): ExAC 0.00004; gnomAD exomes 0.00006; gnomAD 0.00010 and 0.00011; TOPMed 0.00013; ESP Exome Variant Server 0.00038.
gnomAD v4.1: 326 of 1,597,780 alleles (0.02%); highest among the groups gnomAD compares: Non-Finnish European, 0.027%; no homozygotes.

Submissions (22):

Evidence-based Network for the Interpretation of Germline Mutant Alleles (ENIGMA)
Classification: Benign for Breast-ovarian cancer, familial 2. Last evaluated: 2015-08-10. Review status: reviewed by expert panel. Criteria: ENIGMA BRCA1/2 Classification Criteria (2015). Collection method: curation. Allele origin: germline.
Comment: IARC class based on posterior probability from multifactorial likelihood analysis, thresholds for class as per Plon et al. 2008 (PMID: 18951446). Class 1 based on posterior probability = 0.00000836

Labcorp Genetics (formerly Invitae), Labcorp
Classification: Benign for Hereditary breast ovarian cancer syndrome. Last evaluated: 2026-02-03. Review status: criteria provided, single submitter. Criteria: Invitae Variant Classification Sherloc (09022015). Collection method: clinical testing. Allele origin: germline. Not counted in ClinVar's aggregate classification.

Center for Genomic Medicine, Rigshospitalet, Copenhagen University Hospital
Classification: Benign. Last evaluated: 2025-03-04. Review status: criteria provided, single submitter. Criteria: ACMG Guidelines, 2015. Collection method: clinical testing. Allele origin: germline. Not counted in ClinVar's aggregate classification.

ARUP Laboratories, Molecular Genetics and Genomics, ARUP Laboratories
Classification: Benign. Last evaluated: 2025-02-24. Review status: criteria provided, single submitter. Criteria: ARUP Molecular Germline Variant Investigation Process 2024. Collection method: clinical testing. Allele origin: germline. Not counted in ClinVar's aggregate classification.

Blueprint Genetics
Classification: Likely benign. Last evaluated: 2023-09-04. Review status: criteria provided, single submitter. Criteria: ACMG Guidelines, 2015. Collection method: clinical testing. Allele origin: germline. Not counted in ClinVar's aggregate classification.

Sema4
Classification: Likely benign for Hereditary cancer-predisposing syndrome. Last evaluated: 2021-09-10. Review status: criteria provided, single submitter. Criteria: Sema4 Curation Guidelines. Collection method: curation. Allele origin: germline. Not counted in ClinVar's aggregate classification.

CHEO Genetics Diagnostic Laboratory, Children's Hospital of Eastern Ontario
Classification: Likely benign for Breast and/or ovarian cancer. Last evaluated: 2021-08-17. Review status: criteria provided, single submitter. Criteria: ACMG Guidelines, 2015. Collection method: clinical testing. Allele origin: germline. Not counted in ClinVar's aggregate classification.

GeneDx
Classification: Likely benign. Last evaluated: 2017-11-08. Review status: criteria provided, single submitter. Criteria: GeneDx Variant Classification (06012015). Collection method: clinical testing. Allele origin: germline. Affected: yes. Not counted in ClinVar's aggregate classification.
Comment: This variant is considered likely benign or benign based on one or more of the following criteria: it is a conservative change, it occurs at a poorly conserved position in the protein, it is predicted to be benign by multiple in silico algorithms, and/or has population frequency not consistent with disease.

Color Diagnostics, LLC DBA Color Health
Classification: Benign for Hereditary cancer-predisposing syndrome. Last evaluated: 2016-04-11. Review status: criteria provided, single submitter. Criteria: ACMG Guidelines, 2015. Collection method: clinical testing. Allele origin: germline. Not counted in ClinVar's aggregate classification.

Women's Health and Genetics/Laboratory Corporation of America, LabCorp
Classification: Benign. Last evaluated: 2016-01-08. Review status: criteria provided, single submitter. Criteria: LabCorp Variant Classification Summary - May 2015. Collection method: clinical testing. Allele origin: germline. Not counted in ClinVar's aggregate classification.

Clinical Genetics DNA and cytogenetics Diagnostics Lab, Erasmus MC, Erasmus Medical Center
Classification: Benign for Breast-ovarian cancer, familial, susceptibility to, 2. Last evaluated: 2015-09-21. Review status: criteria provided, single submitter. Criteria: ACGS Guidelines, 2013. Collection method: clinical testing. Allele origin: germline. Affected: yes. Study: VKGL Data-share Consensus. Not counted in ClinVar's aggregate classification.

Ambry Genetics
Classification: Benign for Hereditary cancer-predisposing syndrome. Last evaluated: 2014-11-19. Review status: criteria provided, single submitter. Criteria: Ambry Variant Classification Scheme 2023. Collection method: clinical testing. Allele origin: germline. Not counted in ClinVar's aggregate classification.

Genome Diagnostics Laboratory, University Medical Center Utrecht
Classification: Benign for Breast-ovarian cancer, familial, susceptibility to, 2. Last evaluated: 2014-10-09. Review status: criteria provided, single submitter. Criteria: ACGS Guidelines, 2013. Collection method: clinical testing. Allele origin: germline. Affected: yes. Study: VKGL Data-share Consensus. Not counted in ClinVar's aggregate classification.

Mayo Clinic Laboratories, Mayo Clinic
Classification: Likely benign. Last evaluated: 2017-10-09. Review status: no assertion criteria provided. Collection method: clinical testing. Allele origin: unknown. Not counted in ClinVar's aggregate classification.

Department of Medical Genetics, University Hospital of North Norway
Classification: Likely benign for Breast-ovarian cancer, familial, susceptibility to, 2. Last evaluated: 2016-05-01. Review status: no assertion criteria provided. Collection method: clinical testing. Allele origin: germline. Affected: no. Observed: 1 variant allele. Not counted in ClinVar's aggregate classification.

Counsyl
Classification: Benign for Breast-ovarian cancer, familial 2. Last evaluated: 2014-05-13. Review status: no assertion criteria provided. Collection method: literature only. Allele origin: unknown. Inheritance: Autosomal dominant inheritance. Not counted in ClinVar's aggregate classification.

Sharing Clinical Reports Project (SCRP)
Classification: Benign for Breast-ovarian cancer, familial 2. Last evaluated: 2012-11-21. Review status: no assertion criteria provided. Collection method: clinical testing. Allele origin: germline. Not counted in ClinVar's aggregate classification.

Breast Cancer Information Core (BIC) (BRCA2)
Classification: Uncertain significance for Breast-ovarian cancer, familial 2. Last evaluated: 2002-05-29. Review status: no assertion criteria provided. Collection method: clinical testing. Allele origin: germline. Affected: yes. Observed: 17 variant alleles. Not counted in ClinVar's aggregate classification.

Clinical Genetics Laboratory, Department of Pathology, Netherlands Cancer Institute
Classification: Benign. Review status: no assertion criteria provided. Collection method: clinical testing. Allele origin: germline. Affected: yes. Study: VKGL Data-share Consensus. Not counted in ClinVar's aggregate classification.

Department of Pathology and Laboratory Medicine, Sinai Health System
Classification: Likely benign for Malignant tumor of breast. Review status: no assertion criteria provided. Collection method: clinical testing. Allele origin: unknown. Affected: yes. Observed: 1 variant allele. Study: The Canadian Open Genetics Repository (COGR). Not counted in ClinVar's aggregate classification.
Comment: The BRCA2 p.Val894Ile variant was identified in 2 of 934 proband chromosomes (frequency: 0.001) from individuals or families with hereditary breast and ovarian cancer (Jarhelle 2016, van der Hout 2006). The variant was also identified in dbSNP (ID: rs28897715) as â€šÃ„Ãºwith likely benign alleleâ€šÃ„Ã¹, Clinvitae database (3x as â€šÃ„Ãºbenignâ€šÃ„Ã¹ and 1x as â€šÃ„Ãºlikely benignâ€šÃ„Ã¹), Fanconi Anemia Mutation Database (LOVD), LOVD-IARC database, ARUP Laboratories BRCA Mutations Database (as not pathogenic), the ClinVar database (5x as â€šÃ„Ãºbenignâ€šÃ„Ã¹, 1x as â€šÃ„Ãºlikely benignâ€šÃ„Ã¹, and 1x as â€šÃ„Ãºuncertain significanceâ€šÃ„Ã¹), the BIC database (17x with unknown clinical importance), and UMD (10x with a â€šÃ„Ãºlikely neutralâ€šÃ„Ã¹ classification. In UMD the variant was identified with a co-occurring pathogenic BRCA2 variant (p.Ser552ProfsX6), increasing the likelihood that the p.Val894Ile variant does not have clinical significance. This variant was also identified in the NHLBI GO Exome Sequencing Project in 4 of 8596 European American alleles and in 1 of 4406 African American alleles, and in the Exome Aggregation Consortium database (March 14, 2016) in 5 of 120344 chromosomes (freq. 4.16x10-5) in the following populations: African in 1 of 10124 chromosomes (freq. 9.88X10-5), and European (Non-Finnish) in 4 of 66318 chromosomes (freq. 6.03X10-5), but was not seen in East Asian, Finnish, Latino, and South Asian populations, although this low number of observations and low frequency is not substantive enough to determine the prevalence of the variant in the general population and its relationship to disease. In silico studies have classified the variant as benign: odds in favour of neutrality 2440 (Easton 2007), probability of being deleterious 8.36âˆšÃ³10â€šÃ Ã­6 (Lindor 2012), and as a variant of unknown significance (Guidugli 2013). The p.Val894 residue is not conserved in mammals and the variant amino acid Isoleucine is present in dogs, increasing the likelihood that this variant does not have clinical significance. Computational analyses (PolyPhen-2, SIFT, AlignGVGD, BLOSUM, MutationTaster) do not suggest a high likelihood of impact to the protein. The variant occurs outside of the splicing consensus sequence and in silico or computational prediction software programs (SpliceSiteFinder, MaxEntScan, NNSPLICE, GeneSplicer, HumanSpliceFinder) do not predict a difference in splicing. In summary, based on the above information, the clinical significance of this variant cannot be determined with certainty at this time although we would lean towards a more benign role for this variant. This variant is classified as likely benign.

Joint Genome Diagnostic Labs from Nijmegen and Maastricht, Radboudumc and MUMC+
Classification: Benign. Review status: no assertion criteria provided. Collection method: clinical testing. Allele origin: germline. Affected: yes. Study: VKGL Data-share Consensus. Not counted in ClinVar's aggregate classification.

Laboratory of Diagnostic Genome Analysis, Leiden University Medical Center (LUMC)
Classification: Benign. Review status: no assertion criteria provided. Collection method: clinical testing. Allele origin: germline. Affected: yes. Study: VKGL Data-share Consensus. Not counted in ClinVar's aggregate classification.

Literature cited by the submitters: PubMed 21990134 (cited by 3 submitters); PubMed 16683254 (cited by Sema4 and Women's Health and Genetics/Laboratory Corporation of America, LabCorp); PubMed 27495310 (cited by Sema4 and Department of Medical Genetics, University Hospital of North Norway); PubMed 26483394 (cited by Sema4 and Women's Health and Genetics/Laboratory Corporation of America, LabCorp); PubMed 23231788 (cited by Women's Health and Genetics/Laboratory Corporation of America, LabCorp); PubMed 17924331 (cited by Women's Health and Genetics/Laboratory Corporation of America, LabCorp and Counsyl); PubMed 23929434 (cited by Women's Health and Genetics/Laboratory Corporation of America, LabCorp); PubMed 24323938 (cited by Women's Health and Genetics/Laboratory Corporation of America, LabCorp); PubMed 21952622 (cited by Women's Health and Genetics/Laboratory Corporation of America, LabCorp).